The following is an entry in ClinVar:

NM_001039396.2(MPEG1):c.2138A>G (p.Gln713Arg)

Gene: MPEG1 (macrophage expressed 1; minus strand). Cytogenetic location: 11q12.1.
Variant type: single nucleotide variant.
Coding change: c.2138A>G on transcript NM_001039396.2 (MANE Select); coding-DNA position 2138, A replaced by G.
Protein change: p.Gln713Arg; replaces glutamine 713 with arginine.
Molecular consequence: missense variant.
Genome position (GRCh38, 1-based): chr11:59,210,728, T>C on the plus strand (A>G on the coding strand, the complement: MPEG1 is on the minus strand). VCF-style: chr11-59210728-T-C. GRCh37 (hg19) VCF-style: chr11-58978201-T-C.
Other names: short protein forms Q713R.
Identifiers: ClinVar variation 3397614 (VCV003397614.3).

ClinVar aggregate classification (germline): Uncertain significance. Review status: criteria provided, multiple submitters, no conflicts (2 of 4 stars). 2 submissions from 2 submitters: Uncertain significance (2). Last evaluated 2026-03-05.

gnomAD v4.1: 8 of 1,613,722 alleles (0.0005%); highest among the groups gnomAD compares: African/African-American, 0.011%; no homozygotes.

Submissions (2):

Dasa
Classification: Uncertain significance. Last evaluated: 2026-03-05. Review status: criteria provided, single submitter. Criteria: DASA Assertion Criteria. Collection method: clinical testing. Allele origin: germline.
Comment: NM_001039396.2(MPEG1):c.2138A>G (p.Gln713Arg) is a missense variant that results in the substitution of glutamine with arginine. This variant is rare in population databases. Computational prediction algorithms are consistent with a benign effect. The currently available literature and clinical evidence are not sufficient to establish a definitive association between this variant and the reported condition. Therefore, this variant is classified as a variant of uncertain significance.

Ambry Genetics
Classification: Uncertain significance. Last evaluated: 2024-10-20. Review status: criteria provided, single submitter. Criteria: Ambry Variant Classification Scheme 2023. Collection method: clinical testing. Allele origin: germline.